The following is an entry in ClinVar:

NM_014112.5(TRPS1):c.49A>G (p.Lys17Glu)

Gene: TRPS1 (transcriptional repressor GATA binding 1; minus strand). Cytogenetic location: 8q23.3.
Variant type: single nucleotide variant.
Coding change: c.49A>G on transcript NM_014112.5 (MANE Select); coding-DNA position 49, A replaced by G.
Protein change: p.Lys17Glu; replaces lysine 17 with glutamic acid.
Molecular consequence: missense variant.
Genome position (GRCh38, 1-based): chr8:115,620,049, T>C on the plus strand (A>G on the coding strand, the complement: TRPS1 is on the minus strand). VCF-style: chr8-115620049-T-C. GRCh37 (hg19) VCF-style: chr8-116632276-T-C.
Other names: c.22A>G, p.Lys8Glu (NM_001282902.3); c.28A>G, p.Lys10Glu (NM_001282903.3); c.10A>G, p.Lys4Glu (NM_001330599.2); short protein forms K10E, K17E, K4E, K8E.
Identifiers: ClinVar variation 2948224 (VCV002948224.3), dbSNP rs2536916471, ClinGen allele CA372070490.

ClinVar aggregate classification (germline): Uncertain significance (1 of 4 stars; one submission).

Conditions:
Trichorhinophalangeal dysplasia type I (TRPS1). Also called: TRICHORHINOPHALANGEAL SYNDROME, TYPE I; TRPS I. Identifiers: Orphanet 77258, MedGen C0432233, MONDO:0008596, OMIM 190350.
Trichorhinophalangeal syndrome, type III (TRPS3). Also called: SUGIO-KAJII SYNDROME. Identifiers: Orphanet 77258, MedGen C1860823, OMIM 190351, MONDO:0008597.

Allele frequency attached by ClinVar (database versions not stated): gnomAD exomes below 0.00001.

Submission:

Labcorp Genetics (formerly Invitae), Labcorp
Classification: Uncertain significance for Trichorhinophalangeal syndrome, type III; Trichorhinophalangeal dysplasia type I. Last evaluated: 2023-06-01. Review status: criteria provided, single submitter. Criteria: Invitae Variant Classification Sherloc (09022015). Collection method: clinical testing. Allele origin: germline.
Comment: This variant is not present in population databases (gnomAD no frequency). In summary, the available evidence is currently insufficient to determine the role of this variant in disease. Therefore, it has been classified as a Variant of Uncertain Significance. Advanced modeling of protein sequence and biophysical properties (such as structural, functional, and spatial information, amino acid conservation, physicochemical variation, residue mobility, and thermodynamic stability) has been performed at Invitae for this missense variant, however the output from this modeling did not meet the statistical confidence thresholds required to predict the impact of this variant on TRPS1 protein function. This variant has not been reported in the literature in individuals affected with TRPS1-related conditions. This sequence change replaces lysine, which is basic and polar, with glutamic acid, which is acidic and polar, at codon 17 of the TRPS1 protein (p.Lys17Glu).